The following is an entry in ClinVar:

ClinVar aggregate classification (germline): Uncertain significance (1 of 4 stars; one submission).

gnomAD v4.1: 3 of 1,602,436 alleles (0.00019%); highest among the groups gnomAD compares: East Asian, 0.0023%; no homozygotes.

Submission:

GeneDx
Classification: Uncertain significance. Last evaluated: 2023-07-21. Review status: criteria provided, single submitter. Criteria: GeneDx Variant Classification Process June 2021. Collection method: clinical testing. Allele origin: germline. Affected: yes.
Comment: Not observed at significant frequency in large population cohorts (gnomAD); In silico analysis supports that this missense variant has a deleterious effect on protein structure/function; Has not been previously published as pathogenic or benign to our knowledge

NM_001385012.1(NBEA):c.4633C>T (p.Arg1545Cys)

Gene: NBEA (neurobeachin; plus strand). Cytogenetic location: 13q13.3.
Variant type: single nucleotide variant.
Coding change: c.4633C>T on transcript NM_001385012.1 (MANE Select); coding-DNA position 4633, C replaced by T.
Protein change: p.Arg1545Cys; replaces arginine 1545 with cysteine.
Molecular consequence: missense variant.
Genome position (GRCh38, 1-based): chr13:35,177,074, C>T. VCF-style: chr13-35177074-C-T. GRCh37 (hg19) VCF-style: chr13-35751211-C-T.
Other names: c.4624C>T, p.Arg1542Cys (NM_001379245.1); c.4633C>T, p.Arg1545Cys (NM_015678.5); short protein forms R1542C, R1545C.
Identifiers: ClinVar variation 3361192 (VCV003361192.1).